The following is an entry in ClinVar:

NM_015425.6(POLR1A):c.3259G>A (p.Gly1087Ser)

Gene: POLR1A (RNA polymerase I subunit A; minus strand). Cytogenetic location: 2p11.2.
Variant type: single nucleotide variant.
Coding change: c.3259G>A on transcript NM_015425.6 (MANE Select); coding-DNA position 3259, G replaced by A.
Protein change: p.Gly1087Ser; replaces glycine 1087 with serine.
Molecular consequence: missense variant.
Genome position (GRCh38, 1-based): chr2:86,043,072, C>T on the plus strand (G>A on the coding strand, the complement: POLR1A is on the minus strand). VCF-style: chr2-86043072-C-T. GRCh37 (hg19) VCF-style: chr2-86270195-C-T.
Other names: short protein forms G1087S.
Identifiers: ClinVar variation 2831560 (VCV002831560.3), dbSNP rs200322465, ClinGen allele CA51332472.

ClinVar aggregate classification (germline): Uncertain significance (1 of 4 stars; one submission).

Submission:

Labcorp Genetics (formerly Invitae), Labcorp
Classification: Uncertain significance. Last evaluated: 2022-12-13. Review status: criteria provided, single submitter. Criteria: Invitae Variant Classification Sherloc (09022015). Collection method: clinical testing. Allele origin: germline.
Comment: This sequence change replaces glycine, which is neutral and non-polar, with serine, which is neutral and polar, at codon 1087 of the POLR1A protein (p.Gly1087Ser). This variant is not present in population databases (gnomAD no frequency). This variant has not been reported in the literature in individuals affected with POLR1A-related conditions. Advanced modeling of protein sequence and biophysical properties (such as structural, functional, and spatial information, amino acid conservation, physicochemical variation, residue mobility, and thermodynamic stability) performed at Invitae indicates that this missense variant is not expected to disrupt POLR1A protein function. In summary, the available evidence is currently insufficient to determine the role of this variant in disease. Therefore, it has been classified as a Variant of Uncertain Significance.